The following is an entry in ClinVar:

NM_000038.6(APC):c.6451A>T (p.Thr2151Ser)

Gene: APC (APC regulator of Wnt signaling pathway; plus strand). Cytogenetic location: 5q22.2.
Variant type: single nucleotide variant.
Coding change: c.6451A>T on transcript NM_000038.6 (MANE Select); coding-DNA position 6451, A replaced by T.
Protein change: p.Thr2151Ser; replaces threonine 2151 with serine.
Molecular consequence: missense variant. On other transcripts: non-coding transcript variant (2).
Genome position (GRCh38, 1-based): chr5:112,842,045, A>T. VCF-style: chr5-112842045-A-T. GRCh37 (hg19) VCF-style: chr5-112177742-A-T.
Other names: c.6178A>T, p.Thr2060Ser (NM_001354902.2); c.6148A>T, p.Thr2050Ser (NM_001354903.2, NM_001407458.1, NM_001407459.1 and 1 more transcripts); c.6073A>T, p.Thr2025Ser (NM_001354904.2); c.5971A>T, p.Thr1991Ser (NM_001354905.2); c.5602A>T, p.Thr1868Ser (NM_001354906.2, NM_001407470.1); c.6535A>T, p.Thr2179Ser (NM_001407446.1); c.6505A>T, p.Thr2169Ser (NM_001407447.1, NM_001407448.1, NM_001407449.1 and 1 more transcripts); c.6451A>T, p.Thr2151Ser (NM_001407450.1, NM_001127510.3, NM_001354895.2); and 11 more; short protein forms T1767S, T2022S, T2133S, T2141S, T2144S, T2161S, T2169S, T1868S.
Identifiers: ClinVar variation 2861038 (VCV002861038.3), dbSNP rs768770215, ClinGen allele CA16035446.

ClinVar aggregate classification (germline): Uncertain significance (1 of 4 stars; one submission).

Conditions:
Familial adenomatous polyposis 1 (FAP1). Also called: FAMILIAL ADENOMATOUS POLYPOSIS 1, ATTENUATED; POLYPOSIS, ADENOMATOUS INTESTINAL. Identifiers: MedGen C2713442, MONDO:0021056, OMIM 175100. Disease mechanism: loss of function.

Submission:

Labcorp Genetics (formerly Invitae), Labcorp
Classification: Uncertain significance for Familial adenomatous polyposis 1. Last evaluated: 2023-05-01. Review status: criteria provided, single submitter. Criteria: Invitae Variant Classification Sherloc (09022015). Collection method: clinical testing. Allele origin: germline.
Comment: In summary, the available evidence is currently insufficient to determine the role of this variant in disease. Therefore, it has been classified as a Variant of Uncertain Significance. Advanced modeling of protein sequence and biophysical properties (such as structural, functional, and spatial information, amino acid conservation, physicochemical variation, residue mobility, and thermodynamic stability) performed at Invitae indicates that this missense variant is not expected to disrupt APC protein function. This variant has not been reported in the literature in individuals affected with APC-related conditions. This variant is not present in population databases (gnomAD no frequency). This sequence change replaces threonine, which is neutral and polar, with serine, which is neutral and polar, at codon 2151 of the APC protein (p.Thr2151Ser).